The following is an entry in ClinVar:

ClinVar aggregate classification (germline): Benign (3 of 4 stars; one submission).

Conditions:
Breast-ovarian cancer, familial, susceptibility to, 1 (BROVCA1). Also called: OVARIAN CANCER, SUSCEPTIBILITY TO; BRCA1 Hereditary Breast and Ovarian Cancer. Identifiers: Orphanet 145, MedGen C2676676, MONDO:0011450, OMIM 604370. Disease mechanism: loss of function.

Allele frequency attached by ClinVar (database versions not stated): TOPMed 0.00441; gnomAD 0.00398 and 0.00375; 1000 Genomes Project 0.00519; 1000 Genomes Project 30x 0.00547.
gnomAD v4.1: 567 of 152,178 alleles (0.37%); highest among the groups gnomAD compares: African/African-American, 1.3%; 4 homozygotes.

Submission:

Evidence-based Network for the Interpretation of Germline Mutant Alleles (ENIGMA)
Classification: Benign for Breast-ovarian cancer, familial 1. Last evaluated: 2015-01-12. Review status: reviewed by expert panel. Criteria: ENIGMA BRCA1/2 Classification Criteria (2015). Collection method: curation. Allele origin: germline.
Comment: Class 1 not pathogenic based on frequency >1% in an outbred sampleset. Frequency 0.02 (African), derived from 1000 genomes (2012-04-30).

NM_007294.3(BRCA1):c.-2261T>C

Genes: BRCA1 (BRCA1 DNA repair associated; minus strand), NBR2 (neighbor of BRCA1 lncRNA 2; plus strand), LOC111589215 (BRCA1 promoter region; plus strand). Cytogenetic location: 17q21.31.
Variant type: single nucleotide variant.
Coding change: c.-2261T>C on transcript NM_007294.3; 2261 bases upstream of the start codon, T replaced by C.
Molecular consequence: intron variant (on NM_001408458.1).
Genome position (GRCh38, 1-based): chr17:43,127,512, A>G on the plus strand (T>C on the coding strand, the complement: BRCA1 is on the minus strand). VCF-style: chr17-43127512-A-G. GRCh37 (hg19) VCF-style: chr17-41279529-A-G.
Other names: -2142 T>C; c.-61-11733T>C (NM_001408458.1).
Identifiers: ClinVar variation 209590 (VCV000209590.3), dbSNP rs183796323, ClinGen allele CA276559.
Genomic context (GRCh38, chr17:43,127,512, plus strand): 5'-TCTAGCTCAAGGTTTGCAAATGCACCAATCAGCACTCTGTGTCTAGCTAAAGGTTTGTAA[A>G]CGCACCAATCAGTGCTCTGTGTCTAGCAAATGTAGTGGGGACTTGGAGAATTTTTATGTC-3'